The following is an entry in ClinVar:

ClinVar aggregate classification (germline): Conflicting classifications of pathogenicity. Review status: criteria provided, conflicting classifications (1 of 4 stars). 3 submissions from 3 submitters: Uncertain significance (1); Benign (1); Likely benign (1). Last evaluated 2026-03-01.

Conditions:
Inborn genetic diseases. Identifiers: MedGen C0950123, MeSH D030342.
Developmental and epileptic encephalopathy, 36 (DEE36). Also called: Epileptic encephalopathy, early infantile, 36; ALG13-CDG; Congenital disorder of glycosylation, type Is. Identifiers: Orphanet 324422, MedGen C4317295, MONDO:0010472, OMIM 300884.

Allele frequency attached by ClinVar (database versions not stated): gnomAD 0.00001; gnomAD exomes 0.00006 and 0.00012; ExAC 0.00009; TOPMed 0.00018.
gnomAD v4.1: 32 of 1,209,200 alleles (0.0026%); highest among the groups gnomAD compares: Admixed American, 0.063%; no homozygotes.

Submissions (3):

CeGaT Center for Human Genetics Tuebingen
Classification: Likely benign. Last evaluated: 2026-03-01. Review status: criteria provided, single submitter. Criteria: CeGaT Center For Human Genetics Tuebingen Variant Classification Criteria Version 2. Collection method: clinical testing. Allele origin: germline. Affected: yes. Observed: 1 variant allele.
Comment: ALG13: BP4, BS2

Labcorp Genetics (formerly Invitae), Labcorp
Classification: Benign for Developmental and epileptic encephalopathy, 36. Last evaluated: 2025-12-10. Review status: criteria provided, single submitter. Criteria: Invitae Variant Classification Sherloc (09022015). Collection method: clinical testing. Allele origin: germline.

Ambry Genetics
Classification: Uncertain significance for Inborn genetic diseases. Last evaluated: 2017-04-14. Review status: criteria provided, single submitter. Criteria: Ambry Variant Classification Scheme 2023. Collection method: clinical testing. Allele origin: germline.
Comment: The p.N858S variant (also known as c.2573A>G), located in coding exon 23 of the ALG13 gene, results from an A to G substitution at nucleotide position 2573. The asparagine at codon 858 is replaced by serine, an amino acid with highly similar properties. This amino acid position is not well conserved in available vertebrate species. In addition, this alteration is predicted to be tolerated by in silico analysis. Since supporting evidence is limited at this time, the clinical significance of this alteration remains unclear.

NM_001099922.3(ALG13):c.2573A>G (p.Asn858Ser)

Gene: ALG13 (ALG13 UDP-N-acetylglucosaminyltransferase subunit; plus strand). Cytogenetic location: Xq23.
Variant type: single nucleotide variant.
Coding change: c.2573A>G on transcript NM_001099922.3 (MANE Select); coding-DNA position 2573, A replaced by G.
Protein change: p.Asn858Ser; replaces asparagine 858 with serine.
Molecular consequence: missense variant. On other transcripts: non-coding transcript variant (1).
Genome position (GRCh38, 1-based): chrX:111,736,757, A>G. VCF-style: chrX-111736757-A-G. GRCh37 (hg19) VCF-style: chrX-110979985-A-G.
Other names: c.2261A>G, p.Asn754Ser (NM_001257230.2, NM_001257234.2, NM_001257237.2); c.2339A>G, p.Asn780Ser (NM_001257231.2); c.2573A>G, p.Asn858Ser (NM_001324292.2); c.2087A>G, p.Asn696Ser (NM_001324293.1); short protein forms N858S, N754S, N696S, N780S.
Identifiers: ClinVar variation 238292 (VCV000238292.18), dbSNP rs756238772, ClinGen allele CA10493938.